The following is an entry in ClinVar:

NM_020738.4(KIDINS220):c.3976C>T (p.Leu1326Phe)

Gene: KIDINS220 (kinase D interacting substrate 220; minus strand). Cytogenetic location: 2p25.1.
Variant type: single nucleotide variant.
Coding change: c.3976C>T on transcript NM_020738.4 (MANE Select); coding-DNA position 3976, C replaced by T.
Protein change: p.Leu1326Phe; replaces leucine 1326 with phenylalanine.
Molecular consequence: missense variant. On other transcripts: non-coding transcript variant (2).
Genome position (GRCh38, 1-based): chr2:8,733,521, G>A on the plus strand (C>T on the coding strand, the complement: KIDINS220 is on the minus strand). VCF-style: chr2-8733521-G-A. GRCh37 (hg19) VCF-style: chr2-8873651-G-A.
Other names: c.3979C>T, p.Leu1327Phe (NM_001348729.2); c.3922C>T, p.Leu1308Phe (NM_001348731.2); c.3919C>T, p.Leu1307Phe (NM_001348732.2, NM_001348738.2); c.3808C>T, p.Leu1270Phe (NM_001348734.2, NM_001348739.2, NM_001348740.2); c.3805C>T, p.Leu1269Phe (NM_001348735.2, NM_001348741.2, NM_001348742.2 and 1 more transcripts); c.3679C>T, p.Leu1227Phe (NM_001348736.2); short protein forms L1227F, L1269F, L1270F, L1307F, L1308F, L1326F, L1327F.
Identifiers: ClinVar variation 2650648 (VCV002650648.24), dbSNP rs2527425417, ClinGen allele CA345766996.
Genomic context (GRCh38, chr2:8,733,521, plus strand): 5'-TGTGACGAGGGGCACCTTCATCCAGGCCAAGCGTGTTCAGCTCTTCGAAGCTGAAGTTGA[G>A]TGTGTAGGGCGTCTGGCTGGAGAGCTCGGTGTGAGGCAGCTCGTTGTGGGAAGCGCGGCG-3'
Protein context (NP_065789.1, residues 1316-1336): TELSSQTPYT[Leu1326Phe]NFSFEELNTL

ClinVar aggregate classification (germline): Uncertain significance (1 of 4 stars; one submission).

Submission:

CeGaT Center for Human Genetics Tuebingen
Classification: Uncertain significance. Last evaluated: 2023-07-01. Review status: criteria provided, single submitter. Criteria: CeGaT Center For Human Genetics Tuebingen Variant Classification Criteria Version 2. Collection method: clinical testing. Allele origin: germline. Affected: yes. Observed: 1 variant allele.
Comment: KIDINS220: PM2